The following is an entry in ClinVar:

NM_000038.6(APC):c.1100_1101del (p.Ser367fs)

Gene: APC (APC regulator of Wnt signaling pathway; plus strand). Cytogenetic location: 5q22.2.
Variant type: Microsatellite.
Coding change: c.1100_1101del on transcript NM_000038.6 (MANE Select); coding-DNA positions 1100 to 1101, 2 bases deleted (CT; older notation c.1100_1101delCT).
Protein change: p.Ser367fs; shifts the reading frame from serine 367.
Molecular consequence: frameshift variant. On other transcripts: intron variant (4).
Genome position (GRCh38, 1-based): chr5:112,819,132-112,819,133, CT deleted; deleting any 2 consecutive bases within chr5:112,819,130-112,819,133 gives the same sequence; the c. name uses the placement nearest the transcript's 3' end. VCF-style (leftmost placement, unchanged base first): chr5-112819129-ACT-A. GRCh37 (hg19) VCF-style: chr5-112154826-ACT-A.
Other names: c.1100_1101del, p.Ser367fs (NM_001127510.3, NM_001354895.2, NM_001354896.2); c.1046_1047del, p.Ser349fs (NM_001127511.3); c.1100_1101delCT (NM_000038.5); c.1130_1131del, p.Ser377fs (NM_001354897.2); c.1025_1026del, p.Ser342fs (NM_001354898.2); c.1016_1017del, p.Ser339fs (NM_001354899.2); c.923_924del, p.Ser308fs (NM_001354900.2, NM_001354901.2); c.251_252del, p.Ser84fs (NM_001354906.2); and 4 more; short protein forms S339fs, S367fs, S377fs, S84fs, S308fs, S342fs, S349fs.
Identifiers: ClinVar variation 428117 (VCV000428117.18), dbSNP rs387906237, ClinGen allele CA004047.

ClinVar aggregate classification (germline): Pathogenic. Review status: criteria provided, multiple submitters, no conflicts (2 of 4 stars). 8 submissions from 8 submitters: Pathogenic (6). 2 of the submissions do not count toward it. Last evaluated 2025-06-02.

Conditions:
APC-related disorder. Also called: APC-related condition.
Hereditary cancer-predisposing syndrome. Also called: Neoplastic Syndromes, Hereditary; Hereditary Cancer Syndrome; Tumor predisposition; Hereditary neoplastic syndrome. Identifiers: Orphanet 140162, MedGen C0027672, MeSH D009386, MONDO:0015356.
Familial adenomatous polyposis 1 (FAP1). Also called: FAMILIAL ADENOMATOUS POLYPOSIS 1, ATTENUATED; POLYPOSIS, ADENOMATOUS INTESTINAL. Identifiers: MedGen C2713442, MONDO:0021056, OMIM 175100. Disease mechanism: loss of function.

Submissions (8):

Labcorp Genetics (formerly Invitae), Labcorp
Classification: Pathogenic for Familial adenomatous polyposis 1. Last evaluated: 2025-06-02. Review status: criteria provided, single submitter. Criteria: Invitae Variant Classification Sherloc (09022015). Collection method: clinical testing. Allele origin: germline.
Comment: This sequence change creates a premature translational stop signal (p.Ser367Cysfs*10) in the APC gene. It is expected to result in an absent or disrupted protein product. Loss-of-function variants in APC are known to be pathogenic (PMID: 17963004, 20685668). This variant is not present in population databases (gnomAD no frequency). This premature translational stop signal has been observed in individual(s) with classic or attenuated familial adenomatous polyposis (PMID: 8544194, 19444466, 20685668). ClinVar contains an entry for this variant (Variation ID: 428117). For these reasons, this variant has been classified as Pathogenic.

Blueprint Genetics
Classification: Pathogenic for APC-related disorders. Last evaluated: 2023-12-13. Review status: criteria provided, single submitter. Criteria: ACMG Guidelines, 2015. Collection method: clinical testing. Allele origin: germline. Affected: yes. Observed: 1 variant allele.

Myriad Genetics, Inc.
Classification: Pathogenic for Familial adenomatous polyposis 1. Last evaluated: 2023-04-28. Review status: criteria provided, single submitter. Criteria: Myriad Autosomal Dominant, Autosomal Recessive and X-Linked Classification Criteria (2023). Collection method: clinical testing. Allele origin: unknown.
Comment: This variant is considered pathogenic. This variant creates a frameshift predicted to result in premature protein truncation.

Ambry Genetics
Classification: Pathogenic for Hereditary cancer-predisposing syndrome. Last evaluated: 2023-01-11. Review status: criteria provided, single submitter. Criteria: Ambry Variant Classification Scheme 2023. Collection method: clinical testing. Allele origin: germline.
Comment: The c.1100_1101delCT pathogenic mutation, located in coding exon 9 of the APC gene, results from a deletion of two nucleotides at nucleotide positions 1100 to 1101, causing a translational frameshift with a predicted alternate stop codon (p.S367Cfs*10). This pathogenic mutation has been reported in several families with Familial Adenomatous Polyposis (Bunyan DJ et al. J Med Genet. 1995 Sep;32(9):728-31; Curia MC et al. Hum Mutat. 1998;11(3):197-201; Ficari F et al. Br J Cancer. 2000 Jan;82(2):348-53; Friedl W and Aretz S. Hered Cancer Clin Pract. 2005 Sep 15;3(3):95-114; Lagarde et al. J. Med. Genet. 2010 Oct;47(10):721-2; De Lellis et al. PLoS ONE 2013 Nov;8(11):e81194). This variant is considered to be rare based on population cohorts in the Genome Aggregation Database (gnomAD). In addition to the clinical data presented in the literature, this alteration is expected to result in loss of function by premature protein truncation or nonsense-mediated mRNA decay. As such, this alteration is interpreted as a disease-causing mutation.

Baylor Genetics
Classification: Pathogenic for Familial adenomatous polyposis 1. Last evaluated: 2021-05-03. Review status: criteria provided, single submitter. Criteria: ACMG Guidelines, 2015. Collection method: clinical testing. Allele origin: unknown.

Clinical Genetics and Genomics, Karolinska University Hospital
Classification: Pathogenic. Last evaluated: 2016-05-18. Review status: criteria provided, single submitter. Criteria: ACMG Guidelines, 2015. Collection method: clinical testing. Allele origin: germline. Affected: yes. Observed: 1 variant allele.

Bioscientia Institut fuer Medizinische Diagnostik GmbH, Sonic Healthcare
Classification: Pathogenic for Familial adenomatous polyposis 1. Last evaluated: 2019-01-25. Review status: no assertion criteria provided. Collection method: clinical testing. Allele origin: germline. Affected: yes. Not counted in ClinVar's aggregate classification.

OMIM
Classification: Pathogenic for FAMILIAL ADENOMATOUS POLYPOSIS 1, ATTENUATED. Last evaluated: 1998-01-01. Review status: no assertion criteria provided. Collection method: literature only. Allele origin: germline. Not counted in ClinVar's aggregate classification.

Literature cited by the submitters: PubMed 17963004 (cited by Labcorp Genetics (formerly Invitae), Labcorp); PubMed 20685668 (cited by Labcorp Genetics (formerly Invitae), Labcorp); PubMed 8544194 (cited by Labcorp Genetics (formerly Invitae), Labcorp); PubMed 19444466 (cited by Labcorp Genetics (formerly Invitae), Labcorp); PubMed 9521420 (cited by OMIM).